The following is an entry in ClinVar:

NM_021871.4(FGA):c.1486G>T (p.Asp496Tyr)

Gene: FGA (fibrinogen alpha chain; minus strand). Cytogenetic location: 4q31.3.
Variant type: single nucleotide variant.
Coding change: c.1486G>T on transcript NM_021871.4 (MANE Select); coding-DNA position 1486, G replaced by T.
Protein change: p.Asp496Tyr; replaces aspartic acid 496 with tyrosine.
Molecular consequence: missense variant.
Genome position (GRCh38, 1-based): chr4:154,585,943, C>A on the plus strand (G>T on the coding strand, the complement: FGA is on the minus strand). VCF-style: chr4-154585943-C-A. GRCh37 (hg19) VCF-style: chr4-155507095-C-A.
Other names: c.1486G>T, p.Asp496Tyr (NM_000508.5); short protein forms D496Y.
Identifiers: ClinVar variation 1684429 (VCV001684429.1), dbSNP rs2110809573, ClinGen allele CA358528839.

ClinVar aggregate classification (germline): Uncertain significance (0 of 4 stars; one submission).

Conditions:
Afibrinogenemia. Identifiers: Orphanet 200418, MedGen C0001733, MeSH D000347, HP:0034287.

Submission:

ISTH-SSC Genomics in Thrombosis and Hemostasis, KU Leuven, Center for Molecular and Vascular Biology
Classification: Uncertain significance for Afibrinogenemia. Review status: no assertion criteria provided. Collection method: clinical testing. Allele origin: unknown. Affected: yes.
Comment: Submitted to GoldVariant by Prof Kathleen Freson from Center for Molecular and Vascular Biology, Leuven, Belgium